The following is an entry in ClinVar:

ClinVar aggregate classification (germline): Uncertain significance. Review status: criteria provided, multiple submitters, no conflicts (2 of 4 stars). 2 submissions from 2 submitters: Uncertain significance (2). Last evaluated 2026-01-27.

Conditions:
Inborn genetic diseases. Identifiers: MedGen C0950123, MeSH D030342.

gnomAD v4.1: 3 of 1,612,730 alleles (0.00019%); highest among the groups gnomAD compares: African/African-American, 0.004%; no homozygotes.

Submissions (2):

Labcorp Genetics (formerly Invitae), Labcorp
Classification: Uncertain significance. Last evaluated: 2026-01-27. Review status: criteria provided, single submitter. Criteria: Invitae Variant Classification Sherloc (09022015). Collection method: clinical testing. Allele origin: germline.
Comment: This sequence change replaces proline, which is neutral and non-polar, with arginine, which is basic and polar, at codon 1070 of the AUTS2 protein (p.Pro1070Arg). This variant is present in population databases (rs374055596, gnomAD 0.01%). This variant has not been reported in the literature in individuals affected with AUTS2-related conditions. ClinVar contains an entry for this variant (Variation ID: 3467283). Invitae Evidence Modeling of protein sequence and biophysical properties (such as structural, functional, and spatial information, amino acid conservation, physicochemical variation, residue mobility, and thermodynamic stability) indicates that this missense variant is expected to disrupt AUTS2 protein function with a positive predictive value of 80%. In summary, the available evidence is currently insufficient to determine the role of this variant in disease. Therefore, it has been classified as a Variant of Uncertain Significance.

Ambry Genetics
Classification: Uncertain significance for Inborn genetic diseases. Last evaluated: 2024-08-12. Review status: criteria provided, single submitter. Criteria: Ambry Variant Classification Scheme 2023. Collection method: clinical testing. Allele origin: germline.

NM_015570.4(AUTS2):c.3209C>G (p.Pro1070Arg)

Gene: AUTS2 (activator of transcription and developmental regulator AUTS2; plus strand). Cytogenetic location: 7q11.22.
Variant type: single nucleotide variant.
Coding change: c.3209C>G on transcript NM_015570.4 (MANE Select); coding-DNA position 3209, C replaced by G.
Protein change: p.Pro1070Arg; replaces proline 1070 with arginine.
Molecular consequence: missense variant.
Genome position (GRCh38, 1-based): chr7:70,790,425, C>G. VCF-style: chr7-70790425-C-G. GRCh37 (hg19) VCF-style: chr7-70255411-C-G.
Other names: c.3137C>G, p.Pro1046Arg (NM_001127231.3); short protein forms P1070R, P1046R.
Identifiers: ClinVar variation 3467283 (VCV003467283.2).